The following is an entry in ClinVar:

ClinVar aggregate classification (germline): Likely benign. Review status: criteria provided, multiple submitters, no conflicts (2 of 4 stars). 3 submissions from 3 submitters: Likely benign (3). Last evaluated 2025-02-24.

Conditions:
Haddad syndrome (OHD). Also called: Ondine-Hirschsprung disease. Identifiers: Orphanet 99803, MedGen C1859049, MONDO:0020493.
Hereditary cancer-predisposing syndrome. Also called: Neoplastic Syndromes, Hereditary; Tumor predisposition; Hereditary neoplastic syndrome; Hereditary Cancer Syndrome. Identifiers: Orphanet 140162, MedGen C0027672, MeSH D009386, MONDO:0015356.

Allele frequency attached by ClinVar (database versions not stated): gnomAD 0.00001.
gnomAD v4.1: 16 of 1,610,588 alleles (0.00099%); highest among the groups gnomAD compares: Middle Eastern, 0.016%; no homozygotes.

Submissions (3):

Labcorp Genetics (formerly Invitae), Labcorp
Classification: Likely benign for Haddad syndrome. Last evaluated: 2025-02-24. Review status: criteria provided, single submitter. Criteria: Invitae Variant Classification Sherloc (09022015). Collection method: clinical testing. Allele origin: germline.

CeGaT Center for Human Genetics Tuebingen
Classification: Likely benign. Last evaluated: 2023-05-01. Review status: criteria provided, single submitter. Criteria: CeGaT Center For Human Genetics Tuebingen Variant Classification Criteria Version 2. Collection method: clinical testing. Allele origin: germline. Affected: yes. Observed: 1 variant allele.
Comment: PHOX2B: BP4, BP7

Ambry Genetics
Classification: Likely benign for Hereditary cancer-predisposing syndrome. Last evaluated: 2018-06-07. Review status: criteria provided, single submitter. Criteria: Ambry Variant Classification Scheme 2023. Collection method: clinical testing. Allele origin: germline.

NM_003924.4(PHOX2B):c.345G>A (p.Arg115=)

Gene: PHOX2B (paired like homeobox 2B; minus strand). Cytogenetic location: 4p13.
Variant type: single nucleotide variant.
Coding change: c.345G>A on transcript NM_003924.4 (MANE Select); coding-DNA position 345, G replaced by A.
Protein change: p.Arg115=; no amino-acid change (arginine 115 retained).
Molecular consequence: synonymous variant.
Genome position (GRCh38, 1-based): chr4:41,747,433, C>T on the plus strand (G>A on the coding strand, the complement: PHOX2B is on the minus strand). VCF-style: chr4-41747433-C-T. GRCh37 (hg19) VCF-style: chr4-41749450-C-T.
Identifiers: ClinVar variation 699647 (VCV000699647.39), dbSNP rs747055965, ClinGen allele CA2901528.